The following is an entry in ClinVar:

NM_004539.4(NARS1):c.1509G>A (p.Thr503=)

Gene: NARS1 (asparaginyl-tRNA synthetase 1; minus strand). Cytogenetic location: 18q21.31.
Variant type: single nucleotide variant.
Coding change: c.1509G>A on transcript NM_004539.4 (MANE Select); coding-DNA position 1509, G replaced by A.
Protein change: p.Thr503=; no amino-acid change (threonine 503 retained).
Molecular consequence: synonymous variant.
Genome position (GRCh38, 1-based): chr18:57,602,361, C>T on the plus strand (G>A on the coding strand, the complement: NARS1 is on the minus strand). VCF-style: chr18-57602361-C-T. GRCh37 (hg19) VCF-style: chr18-55269593-C-T.
Identifiers: ClinVar variation 3027005 (VCV003027005.22), dbSNP rs779787740, ClinGen allele CA8973405.

ClinVar aggregate classification (germline): Likely benign (1 of 4 stars; one submission).

Allele frequency attached by ClinVar (database versions not stated): gnomAD exomes below 0.00001; TOPMed below 0.00001; ExAC 0.00001; gnomAD 0.00001.
gnomAD v4.1: 7 of 1,611,924 alleles (0.00043%); highest among the groups gnomAD compares: Admixed American, 0.0017%; no homozygotes.

Submission:

CeGaT Center for Human Genetics Tuebingen
Classification: Likely benign. Last evaluated: 2024-01-01. Review status: criteria provided, single submitter. Criteria: CeGaT Center For Human Genetics Tuebingen Variant Classification Criteria Version 2. Collection method: clinical testing. Allele origin: germline. Affected: yes. Observed: 1 variant allele.
Comment: NARS1: BP4, BP7